The following is an entry in ClinVar:

ClinVar aggregate classification (germline): Uncertain significance. Review status: criteria provided, multiple submitters, no conflicts (2 of 4 stars). 2 submissions from 2 submitters: Uncertain significance (2). Last evaluated 2023-10-01.

Allele frequency attached by ClinVar (database versions not stated): gnomAD exomes below 0.00001.
gnomAD v4.1: 1 of 1,614,072 alleles (0.000062%); highest among the groups gnomAD compares: Middle Eastern, 0.016%; no homozygotes.

Submissions (2):

CeGaT Center for Human Genetics Tuebingen
Classification: Uncertain significance. Last evaluated: 2023-10-01. Review status: criteria provided, single submitter. Criteria: CeGaT Center For Human Genetics Tuebingen Variant Classification Criteria Version 2. Collection method: clinical testing. Allele origin: germline. Affected: yes. Observed: 1 variant allele.
Comment: ASH1L: PM2

Labcorp Genetics (formerly Invitae), Labcorp
Classification: Uncertain significance. Last evaluated: 2021-09-02. Review status: criteria provided, single submitter. Criteria: Invitae Variant Classification Sherloc (09022015). Collection method: clinical testing. Allele origin: germline.

NM_018489.3(ASH1L):c.7129A>G (p.Lys2377Glu)

Gene: ASH1L (ASH1 like histone lysine methyltransferase; minus strand). Cytogenetic location: 1q22.
Variant type: single nucleotide variant.
Coding change: c.7129A>G on transcript NM_018489.3 (MANE Select); coding-DNA position 7129, A replaced by G.
Protein change: p.Lys2377Glu; replaces lysine 2377 with glutamic acid.
Molecular consequence: missense variant.
Genome position (GRCh38, 1-based): chr1:155,354,557, T>C on the plus strand (A>G on the coding strand, the complement: ASH1L is on the minus strand). VCF-style: chr1-155354557-T-C. GRCh37 (hg19) VCF-style: chr1-155324348-T-C.
Other names: c.7144A>G, p.Lys2382Glu (NM_001366177.2); short protein forms K2377E, K2382E.
Identifiers: ClinVar variation 1016561 (VCV001016561.28), dbSNP rs1654202268, ClinGen allele CA342747764.